The following is an entry in ClinVar:

NM_001005373.4(LRSAM1):c.406+5G>A

Gene: LRSAM1 (leucine rich repeat and sterile alpha motif containing 1; plus strand). Cytogenetic location: 9q33.3.
Variant type: single nucleotide variant.
Coding change: c.406+5G>A on transcript NM_001005373.4 (MANE Select); 5 bases into the intron after coding-DNA position 406, G replaced by A.
Molecular consequence: intron variant.
Genome position (GRCh38, 1-based): chr9:127,461,262, G>A. VCF-style: chr9-127461262-G-A. GRCh37 (hg19) VCF-style: chr9-130223541-G-A.
Other names: c.406+5G>A (NM_138361.5, NM_001384142.1, NM_001384143.1 and 2 more transcripts); c.-379+5G>A (NM_001384144.1).
Identifiers: ClinVar variation 1422391 (VCV001422391.34), dbSNP rs1834732559, ClinGen allele CA1879820232.

ClinVar aggregate classification (germline): Uncertain significance. Review status: criteria provided, multiple submitters, no conflicts (2 of 4 stars). 2 submissions from 2 submitters: Uncertain significance (2). Last evaluated 2023-05-31.

Conditions:
Charcot-Marie-Tooth disease axonal type 2P. Also called: Charcot-Marie-Tooth Neuropathy Type 2G; CHARCOT-MARIE-TOOTH NEUROPATHY, TYPE 2P; CHARCOT-MARIE-TOOTH DISEASE, AXONAL, TYPE 2G; CMT 2G. Identifiers: Orphanet 300319, Orphanet 99941, MedGen C3280797, MONDO:0013753, OMIM 614436.

Allele frequency attached by ClinVar (database versions not stated): gnomAD exomes below 0.00001; TOPMed below 0.00001.
gnomAD v4.1: 2 of 1,609,896 alleles (0.00012%); highest among the groups gnomAD compares: Non-Finnish European, 0.000085%; no homozygotes.

Submissions (2):

Labcorp Genetics (formerly Invitae), Labcorp
Classification: Uncertain significance for Charcot-Marie-Tooth disease axonal type 2P. Last evaluated: 2023-05-31. Review status: criteria provided, single submitter. Criteria: Invitae Variant Classification Sherloc (09022015). Collection method: clinical testing. Allele origin: germline.
Comment: In summary, the available evidence is currently insufficient to determine the role of this variant in disease. Therefore, it has been classified as a Variant of Uncertain Significance. Variants that disrupt the consensus splice site are a relatively common cause of aberrant splicing (PMID: 17576681, 9536098). Algorithms developed to predict the effect of sequence changes on RNA splicing suggest that this variant is not likely to affect RNA splicing. ClinVar contains an entry for this variant (Variation ID: 1422391). This variant has not been reported in the literature in individuals affected with LRSAM1-related conditions. This variant is not present in population databases (gnomAD no frequency). This sequence change falls in intron 7 of the LRSAM1 gene. It does not directly change the encoded amino acid sequence of the LRSAM1 protein. It affects a nucleotide within the consensus splice site.

CeGaT Center for Human Genetics Tuebingen
Classification: Uncertain significance. Last evaluated: 2022-11-01. Review status: criteria provided, single submitter. Criteria: CeGaT Center For Human Genetics Tuebingen Variant Classification Criteria Version 2. Collection method: clinical testing. Allele origin: germline. Affected: yes. Observed: 1 variant allele.
Comment: LRSAM1: PM2, BP4

Literature cited by the submitters: PubMed 17576681 (cited by Labcorp Genetics (formerly Invitae), Labcorp); PubMed 9536098 (cited by Labcorp Genetics (formerly Invitae), Labcorp).